The following is an entry in ClinVar:

NM_003742.4(ABCB11):c.1320C>A (p.Asp440Glu)

Gene: ABCB11 (ATP binding cassette subfamily B member 11; minus strand). Cytogenetic location: 2q31.1.
Variant type: single nucleotide variant.
Coding change: c.1320C>A on transcript NM_003742.4 (MANE Select); coding-DNA position 1320, C replaced by A.
Protein change: p.Asp440Glu; replaces aspartic acid 440 with glutamic acid.
Molecular consequence: missense variant.
Genome position (GRCh38, 1-based): chr2:168,973,829, G>T on the plus strand (C>A on the coding strand, the complement: ABCB11 is on the minus strand). VCF-style: chr2-168973829-G-T. GRCh37 (hg19) VCF-style: chr2-169830339-G-T.
Other names: short protein forms D440E.
Identifiers: ClinVar variation 4845969 (VCV004845969.1).

ClinVar aggregate classification (germline): Uncertain significance (1 of 4 stars; one submission).

Conditions:
Familial intrahepatic cholestasis. Identifiers: Orphanet 284385, MedGen CN296401, MONDO:0017290.

Submission:

Genomenon, Inc
Classification: Uncertain significance for Familial intrahepatic cholestasis. Last evaluated: 2026-04-14. Review status: criteria provided, single submitter. Criteria: Genomenon Sequence Variant Interpretation Standards - Updated. Collection method: curation. Allele origin: germline. Affected: yes.
Comment: ABCB11 p.Asp440Glu (c.1320C>A) is a missense variant that changes the amino acid at residue 440 from Aspartic acid to Glutamic acid. This variant has been observed in at least one proband with an ABCB11-related disorder (PMID:28733223). It is absent or not present at a significant frequency in gnomAD. In silico models predict that this variant is not damaging. In conclusion, we classify ABCB11 p.Asp440Glu (c.1320C>A) as a variant of uncertain significance.

Literature cited by the submitters: PubMed 28733223.